The following is an entry in ClinVar:

NM_002804.5(PSMC3):c.464A>G (p.Lys155Arg)

Gene: PSMC3 (proteasome 26S subunit, ATPase 3; minus strand). Cytogenetic location: 11p11.2.
Variant type: single nucleotide variant.
Coding change: c.464A>G on transcript NM_002804.5 (MANE Select); coding-DNA position 464, A replaced by G.
Protein change: p.Lys155Arg; replaces lysine 155 with arginine.
Molecular consequence: missense variant.
Genome position (GRCh38, 1-based): chr11:47,424,173, T>C on the plus strand (A>G on the coding strand, the complement: PSMC3 is on the minus strand). VCF-style: chr11-47424173-T-C. GRCh37 (hg19) VCF-style: chr11-47445724-T-C.
Other names: short protein forms K155R.
Identifiers: ClinVar variation 3377190 (VCV003377190.1).

ClinVar aggregate classification (germline): Likely pathogenic (1 of 4 stars; one submission).

Conditions:
Neurodevelopmental disorder. Identifiers: MedGen C1535926, MeSH D065886, MONDO:0700092.

Submission:

Victorian Clinical Genetics Services, Murdoch Childrens Research Institute
Classification: Likely pathogenic for Neurodevelopmental disorder. Last evaluated: 2024-10-09. Review status: criteria provided, single submitter. Criteria: ACMG Guidelines, 2015. Collection method: clinical testing. Allele origin: germline. Inheritance: Autosomal dominant inheritance. Affected: yes.
Comment: Based on the classification scheme VCGS_Germline_v1.3.4, this variant is classified as Likely pathogenic. Following criteria are met: 0102 - Loss of function is a known mechanism of disease in this gene and is associated with neurodevelopmental disorder (MONDO#0700092), PSMC3-related (PMID: 37256937). (I) 0107 - This gene is associated with autosomal dominant disease (PMID: 37256937). Its association with autosomal recessive disease has not been well established (PanelApp Australia, PMID: 32500975). (I). (I) 0200 - Variant is predicted to result in a missense amino acid change from lysine to arginine. (I) 0251 - This variant is heterozygous. (I) 0301 - Variant is absent from gnomAD (both v2 and v3). (SP) 0502 - Missense variant with conflicting in silico predictions and uninformative conservation. (I) 0603 - Missense variant in a region that is highly intolerant to missense variation (high constraint region in DECIPHER). (SP) 0705 - No comparable missense variants have previous evidence for pathogenicity. (I) 0807 - This variant has no previous evidence of pathogenicity. (I) 0905 - No published segregation evidence has been identified for this variant. (I) 1007 - No published functional evidence has been identified for this variant. (SP) Legend: (SP) - Supporting pathogenic, (I) - Information, (SB) - Supporting benign

Literature cited by the submitters: PubMed 32500975; PubMed 37256937.